The following is an entry in ClinVar:

ClinVar aggregate classification (germline): Uncertain significance. Review status: criteria provided, multiple submitters, no conflicts (2 of 4 stars). 2 submissions from 2 submitters: Uncertain significance (2). Last evaluated 2025-08-29.

Conditions:
Inborn genetic diseases. Identifiers: MedGen C0950123, MeSH D030342.

Allele frequency attached by ClinVar (database versions not stated): ExAC 0.00003.
gnomAD v4.1: 21 of 1,614,162 alleles (0.0013%); highest among the groups gnomAD compares: South Asian, 0.021%; no homozygotes.

Submissions (2):

Ambry Genetics
Classification: Uncertain significance for Inborn genetic diseases. Last evaluated: 2025-08-29. Review status: criteria provided, single submitter. Criteria: Ambry Variant Classification Scheme 2023. Collection method: clinical testing. Allele origin: germline.

Labcorp Genetics (formerly Invitae), Labcorp
Classification: Uncertain significance. Last evaluated: 2022-10-23. Review status: criteria provided, single submitter. Criteria: Invitae Variant Classification Sherloc (09022015). Collection method: clinical testing. Allele origin: germline.
Comment: In summary, the available evidence is currently insufficient to determine the role of this variant in disease. Therefore, it has been classified as a Variant of Uncertain Significance. Advanced modeling of protein sequence and biophysical properties (such as structural, functional, and spatial information, amino acid conservation, physicochemical variation, residue mobility, and thermodynamic stability) performed at Invitae indicates that this missense variant is expected to disrupt SLCO2A1 protein function. This variant has not been reported in the literature in individuals affected with SLCO2A1-related conditions. This variant is present in population databases (rs748955819, gnomAD 0.03%). This sequence change replaces valine, which is neutral and non-polar, with alanine, which is neutral and non-polar, at codon 458 of the SLCO2A1 protein (p.Val458Ala).

NM_005630.3(SLCO2A1):c.1373T>C (p.Val458Ala)

Genes: SLCO2A1 (solute carrier organic anion transporter family member 2A1; minus strand), LOC123038185 (Sharpr-MPRA regulatory region 14374; plus strand). Cytogenetic location: 3q22.1.
Variant type: single nucleotide variant.
Coding change: c.1373T>C on transcript NM_005630.3 (MANE Select); coding-DNA position 1373, T replaced by C.
Protein change: p.Val458Ala; replaces valine 458 with alanine.
Molecular consequence: missense variant.
Genome position (GRCh38, 1-based): chr3:133,945,183, A>G on the plus strand (T>C on the coding strand, the complement: SLCO2A1 is on the minus strand). VCF-style: chr3-133945183-A-G. GRCh37 (hg19) VCF-style: chr3-133664027-A-G.
Other names: c.1373T>C (NM_005630.2); short protein forms V458A.
Identifiers: ClinVar variation 2058266 (VCV002058266.5), dbSNP rs748955819, ClinGen allele CA2626487.